The following is an entry in ClinVar:

ClinVar aggregate classification (germline): Uncertain significance (1 of 4 stars; one submission).

Conditions:
Familial hemiplegic migraine. Identifiers: MedGen C0338484, MONDO:0000700.

Submission:

Labcorp Genetics (formerly Invitae), Labcorp
Classification: Uncertain significance for Familial hemiplegic migraine. Last evaluated: 2025-03-03. Review status: criteria provided, single submitter. Criteria: Invitae Variant Classification Sherloc (09022015). Collection method: clinical testing. Allele origin: germline.
Comment: This sequence change falls in intron 1 of the ATP1A2 gene. It does not directly change the encoded amino acid sequence of the ATP1A2 protein. It affects a nucleotide within the consensus splice site. This variant is not present in population databases (gnomAD no frequency). This variant has not been reported in the literature in individuals affected with ATP1A2-related conditions. ClinVar contains an entry for this variant (Variation ID: 1508823). Variants that disrupt the consensus splice site are a relatively common cause of aberrant splicing (PMID: 17576681, 9536098). Algorithms developed to predict the effect of sequence changes on RNA splicing suggest that this variant may disrupt the consensus splice site. In summary, the available evidence is currently insufficient to determine the role of this variant in disease. Therefore, it has been classified as a Variant of Uncertain Significance.

Literature cited by the submitters: PubMed 17576681; PubMed 9536098.

NM_000702.4(ATP1A2):c.12+6T>C

Gene: ATP1A2 (ATPase Na+/K+ transporting subunit alpha 2; plus strand). Cytogenetic location: 1q23.2.
Variant type: single nucleotide variant.
Coding change: c.12+6T>C on transcript NM_000702.4 (MANE Select); 6 bases into the intron after coding-DNA position 12, T replaced by C.
Molecular consequence: intron variant.
Genome position (GRCh38, 1-based): chr1:160,115,879, T>C. VCF-style: chr1-160115879-T-C. GRCh37 (hg19) VCF-style: chr1-160085669-T-C.
Identifiers: ClinVar variation 1508823 (VCV001508823.6), dbSNP rs888389853, ClinGen allele CA31479569.